The following is an entry in ClinVar:

ClinVar aggregate classification (germline): Likely benign (1 of 4 stars; one submission).

Allele frequency attached by ClinVar (database versions not stated): 1000 Genomes Project 0.00519; 1000 Genomes Project 30x 0.00547; gnomAD 0.00583; ExAC 0.00647; ESP Exome Variant Server 0.00677.
gnomAD v4.1: 12,100 of 1,613,832 alleles (0.75%); highest among the groups gnomAD compares: Middle Eastern, 1.9%; 49 homozygotes.

Submission:

CeGaT Center for Human Genetics Tuebingen
Classification: Likely benign. Last evaluated: 2024-01-01. Review status: criteria provided, single submitter. Criteria: CeGaT Center For Human Genetics Tuebingen Variant Classification Criteria Version 2. Collection method: clinical testing. Allele origin: germline. Affected: yes. Observed: 3 variant alleles.
Comment: AKNA: BP4, BS2

NM_001317950.2(AKNA):c.2063C>T (p.Thr688Met)

Gene: AKNA (AT-hook transcription factor; minus strand). Cytogenetic location: 9q32.
Variant type: single nucleotide variant.
Coding change: c.2063C>T on transcript NM_001317950.2 (MANE Select); coding-DNA position 2063, C replaced by T.
Protein change: p.Thr688Met; replaces threonine 688 with methionine.
Molecular consequence: missense variant.
Genome position (GRCh38, 1-based): chr9:114,361,765, G>A on the plus strand (C>T on the coding strand, the complement: AKNA is on the minus strand). VCF-style: chr9-114361765-G-A. GRCh37 (hg19) VCF-style: chr9-117124045-G-A.
Other names: c.1706C>T, p.Thr569Met (NM_001317952.1); c.2063C>T, p.Thr688Met (NM_030767.5); short protein forms T569M, T688M.
Identifiers: ClinVar variation 2659445 (VCV002659445.24), dbSNP rs45550039, ClinGen allele CA5204935.